The following is an entry in ClinVar:

ClinVar aggregate classification (germline): Uncertain significance. Review status: criteria provided, multiple submitters, no conflicts (2 of 4 stars). 4 submissions from 4 submitters: Uncertain significance (4). Last evaluated 2025-04-18.

Conditions:
Hereditary cancer-predisposing syndrome. Also called: Hereditary neoplastic syndrome; Neoplastic Syndromes, Hereditary; Tumor predisposition; Hereditary Cancer Syndrome. Identifiers: Orphanet 140162, MedGen C0027672, MeSH D009386, MONDO:0015356.
Fanconi anemia complementation group J. Also called: BRIP1-Related Fanconi Anemia. Identifiers: Orphanet 84, MedGen C1836860, MONDO:0012187, OMIM 609054.
Familial cancer of breast. Also called: BREAST CANCER, FAMILIAL; hereditary breast carcinoma; Hereditary breast cancer. Identifiers: Orphanet 227535, MedGen C0346153, MONDO:0016419, OMIM 114480. Disease mechanism: loss of function.

Allele frequency attached by ClinVar (database versions not stated): gnomAD exomes below 0.00001 and 0.00001; gnomAD 0.00001; TOPMed 0.00001.
gnomAD v4.1: 4 of 1,613,880 alleles (0.00025%); highest among the groups gnomAD compares: Non-Finnish European, 0.00034%; no homozygotes.

Submissions (4):

Labcorp Genetics (formerly Invitae), Labcorp
Classification: Uncertain significance for Familial cancer of breast; Fanconi anemia complementation group J. Last evaluated: 2025-04-18. Review status: criteria provided, single submitter. Criteria: Invitae Variant Classification Sherloc (09022015). Collection method: clinical testing. Allele origin: germline.
Comment: This sequence change replaces threonine, which is neutral and polar, with proline, which is neutral and non-polar, at codon 238 of the BRIP1 protein (p.Thr238Pro). This variant is present in population databases (no rsID available, gnomAD 0.0009%). This variant has not been reported in the literature in individuals affected with BRIP1-related conditions. ClinVar contains an entry for this variant (Variation ID: 461179). Invitae Evidence Modeling of protein sequence and biophysical properties (such as structural, functional, and spatial information, amino acid conservation, physicochemical variation, residue mobility, and thermodynamic stability) indicates that this missense variant is not expected to disrupt BRIP1 protein function with a negative predictive value of 95%. In summary, the available evidence is currently insufficient to determine the role of this variant in disease. Therefore, it has been classified as a Variant of Uncertain Significance.

Ambry Genetics
Classification: Uncertain significance for Hereditary cancer-predisposing syndrome. Last evaluated: 2024-05-28. Review status: criteria provided, single submitter. Criteria: Ambry Variant Classification Scheme 2023. Collection method: clinical testing. Allele origin: germline.
Comment: The p.T238P variant (also known as c.712A>C), located in coding exon 6 of the BRIP1 gene, results from an A to C substitution at nucleotide position 712. The threonine at codon 238 is replaced by proline, an amino acid with highly similar properties. This amino acid position is poorly conserved in available vertebrate species. In addition, this alteration is predicted to be tolerated by in silico analysis. Since supporting evidence is limited at this time, the clinical significance of this alteration remains unclear.

Color Diagnostics, LLC DBA Color Health
Classification: Uncertain significance for Hereditary cancer-predisposing syndrome. Last evaluated: 2023-12-05. Review status: criteria provided, single submitter. Criteria: ACMG Guidelines, 2015. Collection method: clinical testing. Allele origin: germline.
Comment: This missense variant replaces threonine with proline at codon 238 of the BRIP1 protein. Computational prediction suggests that this variant may not impact protein structure and function (internally defined REVEL score threshold <= 0.5, PMID: 27666373). To our knowledge, functional studies have not been reported for this variant. This variant has not been reported in individuals affected with BRIP1-related disorders in the literature. This variant has been identified in 1/251180 chromosomes in the general population by the Genome Aggregation Database (gnomAD). The available evidence is insufficient to determine the role of this variant in disease conclusively. Therefore, this variant is classified as a Variant of Uncertain Significance.

KCCC/NGS Laboratory, Kuwait Cancer Control Center
Classification: Uncertain significance for Familial cancer of breast. Last evaluated: 2023-07-07. Review status: criteria provided, single submitter. Criteria: ACMG Guidelines, 2015. Collection method: clinical testing. Allele origin: unknown. Affected: yes.
Comment: This sequence change replaces threonine with proline at codon 238 of the BRIP1 protein (p.Thr238Pro). This variant is not present in population databases gnomad. In-silico predictions show benign computational verdict based on 9 benign predictions from BayesDel_addAF, DANN, DEOGEN2, EIGEN, LIST-S2, MVP, MutationAssessor, MutationTaster and PrimateAI vs 3 pathogenic predictions from FATHMM-MKL, M-CAP and SIFT and the position is not strongly conserved. This variant has not been published in individuals with BRIP1-related conditions. There are no published functional analyses for this variant. Therefore, it has been classified as a Variant of Uncertain Significance.

NM_032043.3(BRIP1):c.712A>C (p.Thr238Pro)

Gene: BRIP1 (BRCA1 interacting DNA helicase 1; minus strand). Cytogenetic location: 17q23.2.
Variant type: single nucleotide variant.
Coding change: c.712A>C on transcript NM_032043.3 (MANE Select); coding-DNA position 712, A replaced by C.
Protein change: p.Thr238Pro; replaces threonine 238 with proline.
Molecular consequence: missense variant.
Genome position (GRCh38, 1-based): chr17:61,808,673, T>G on the plus strand (A>C on the coding strand, the complement: BRIP1 is on the minus strand). VCF-style: chr17-61808673-T-G. GRCh37 (hg19) VCF-style: chr17-59886034-T-G.
Other names: short protein forms T238P.
Identifiers: ClinVar variation 461179 (VCV000461179.20), dbSNP rs1490001091, ClinGen allele CA400485069.